The following is an entry in ClinVar:

ClinVar aggregate classification (germline): Likely pathogenic. Review status: criteria provided, multiple submitters, no conflicts (2 of 4 stars). 2 submissions from 2 submitters: Likely pathogenic (2). Last evaluated 2023-04-05.

Conditions:
Dystonia 28, childhood-onset (DYT28). Also called: KMT2B-Related Dystonia (DYT-KMT2B). Identifiers: Orphanet 589618, MedGen C4310633, MONDO:0015004, OMIM 617284.

Submissions (2):

Institute for Clinical Genetics, University Hospital TU Dresden, University Hospital TU Dresden
Classification: Likely pathogenic. Last evaluated: 2023-04-05. Review status: criteria provided, single submitter. Criteria: ACMG Guidelines, 2015. Collection method: clinical testing. Allele origin: germline.
Comment: PS3, PS4_MOD, PP3, PP2, PM2_SUP

Institute of Human Genetics Munich, TUM University Hospital
Classification: Likely pathogenic for Dystonia 28, childhood-onset. Last evaluated: 2021-04-19. Review status: criteria provided, single submitter. Criteria: Classification criteria August 2017. Collection method: clinical testing. Allele origin: paternal. Inheritance: Autosomal dominant inheritance. Affected: yes. Observed: 1 variant allele.

NM_014727.3(KMT2B):c.7693C>G (p.Arg2565Gly)

Gene: KMT2B (lysine methyltransferase 2B; plus strand). Cytogenetic location: 19q13.12.
Variant type: single nucleotide variant.
Coding change: c.7693C>G on transcript NM_014727.3 (MANE Select); coding-DNA position 7693, C replaced by G.
Protein change: p.Arg2565Gly; replaces arginine 2565 with glycine.
Molecular consequence: missense variant.
Genome position (GRCh38, 1-based): chr19:35,737,893, C>G. VCF-style: chr19-35737893-C-G. GRCh37 (hg19) VCF-style: chr19-36228794-C-G.
Other names: short protein forms R2565G.
Identifiers: ClinVar variation 1803995 (VCV001803995.2), dbSNP rs2146481783, ClinGen allele CA405438288.
Genomic context (GRCh38, chr19:35,737,893, plus strand): 5'-TGGGTGACACTGCTGTCCCTCACCAGACGTGCCACCAGCCTGGAGCTGCCCATGGCCATG[C>G]GTTTTCGTCACCTTAAGAAGACGTCCAAAGAAGCTGTGGGTGTCTACAGGTGAGTGGGGT-3'
Protein context (NP_055542.1, residues 2555-2575): ATSLELPMAM[Arg2565Gly]FRHLKKTSKE